The following is an entry in ClinVar:

ClinVar aggregate classification (germline): Conflicting classifications of pathogenicity. Review status: criteria provided, conflicting classifications (1 of 4 stars). 3 submissions from 3 submitters: Uncertain significance (2); Likely benign (1). Last evaluated 2025-12-16.

Conditions:
Cardiovascular phenotype. Identifiers: MedGen CN230736.
RASopathy. Also called: rasopathies; Noonan spectrum disorder. Identifiers: Orphanet 536391, MedGen C5555857, MONDO:0021060.

Allele frequency attached by ClinVar (database versions not stated): gnomAD 0.00001; gnomAD exomes 0.00001 and 0.00002; TOPMed 0.00001.
gnomAD v4.1: 31 of 1,612,932 alleles (0.0019%); highest among the groups gnomAD compares: East Asian, 0.0045%; no homozygotes.

Submissions (3):

Labcorp Genetics (formerly Invitae), Labcorp
Classification: Uncertain significance for RASopathy. Last evaluated: 2025-12-16. Review status: criteria provided, single submitter. Criteria: Invitae Variant Classification Sherloc (09022015). Collection method: clinical testing. Allele origin: germline.
Comment: This sequence change replaces isoleucine, which is neutral and non-polar, with valine, which is neutral and non-polar, at codon 744 of the CBL protein (p.Ile744Val). This variant is present in population databases (no rsID available, gnomAD 0.0009%). This variant has not been reported in the literature in individuals affected with CBL-related conditions. ClinVar contains an entry for this variant (Variation ID: 1186710). Invitae Evidence Modeling of protein sequence and biophysical properties (such as structural, functional, and spatial information, amino acid conservation, physicochemical variation, residue mobility, and thermodynamic stability) indicates that this missense variant is not expected to disrupt CBL protein function with a negative predictive value of 95%. In summary, the available evidence is currently insufficient to determine the role of this variant in disease. Therefore, it has been classified as a Variant of Uncertain Significance.

Ambry Genetics
Classification: Likely benign for Cardiovascular phenotype. Last evaluated: 2024-01-17. Review status: criteria provided, single submitter. Criteria: Ambry Variant Classification Scheme 2023. Collection method: clinical testing. Allele origin: germline.

GeneDx
Classification: Uncertain significance. Last evaluated: 2020-03-02. Review status: criteria provided, single submitter. Criteria: GeneDx Variant Classification Process June 2021. Collection method: clinical testing. Allele origin: germline. Affected: yes.
Comment: In silico analysis supports that this missense variant does not alter protein structure/function; Has not been previously published as pathogenic or benign to our knowledge

NM_005188.4(CBL):c.2230A>G (p.Ile744Val)

Gene: CBL (Cbl proto-oncogene; plus strand). Cytogenetic location: 11q23.3.
Variant type: single nucleotide variant.
Coding change: c.2230A>G on transcript NM_005188.4 (MANE Select); coding-DNA position 2230, A replaced by G.
Protein change: p.Ile744Val; replaces isoleucine 744 with valine.
Molecular consequence: missense variant.
Genome position (GRCh38, 1-based): chr11:119,297,460, A>G. VCF-style: chr11-119297460-A-G. GRCh37 (hg19) VCF-style: chr11-119168170-A-G.
Other names: short protein forms I744V.
Identifiers: ClinVar variation 1186710 (VCV001186710.8), dbSNP rs1422371091, ClinGen allele CA382928564.
Genomic context (GRCh38, chr11:119,297,460, plus strand): 5'-CAGCAGATTGATAGCTGTACGTATGAAGCAATGTATAATATTCAGTCCCAGGCGCCATCT[A>G]TCACCGAGAGCAGCACCTTTGGTAAGTTGCCATTCTGCTACTTTAAAAATCATTGATATG-3'
Protein context (NP_005179.2, residues 734-754): MYNIQSQAPS[Ile744Val]TESSTFGEGN